The following is an entry in ClinVar:

NM_133510.4(RAD51B):c.711A>T (p.Arg237Ser)

Gene: RAD51B (RAD51 paralog B; plus strand). Cytogenetic location: 14q24.1.
Variant type: single nucleotide variant.
Coding change: c.711A>T on transcript NM_133510.4 (MANE Select); coding-DNA position 711, A replaced by T.
Protein change: p.Arg237Ser; replaces arginine 237 with serine.
Molecular consequence: missense variant.
Genome position (GRCh38, 1-based): chr14:67,887,159, A>T. VCF-style: chr14-67887159-A-T. GRCh37 (hg19) VCF-style: chr14-68353876-A-T.
Other names: c.711A>T, p.Arg237Ser (NM_001321819.1, NM_001321821.2, NM_002877.6 and 6 more transcripts); c.597A>T, p.Arg199Ser (NM_001321815.1); c.354A>T, p.Arg118Ser (NM_001321817.2); short protein forms R118S, R199S, R237S.
Identifiers: ClinVar variation 4826669 (VCV004826669.1).

ClinVar aggregate classification (germline): Uncertain significance (1 of 4 stars; one submission).

Submission:

Ambry Genetics
Classification: Uncertain significance. Last evaluated: 2026-03-06. Review status: criteria provided, single submitter. Criteria: Ambry Variant Classification Scheme 2023. Collection method: clinical testing. Allele origin: germline.
Comment: The p.R237S variant (also known as c.711A>T), located in coding exon 6 of the RAD51B gene, results from an A to T substitution at nucleotide position 711. The arginine at codon 237 is replaced by serine, an amino acid with dissimilar properties. This amino acid position is conserved. In addition, this alteration is predicted to be tolerated by in silico analysis. Based on the available evidence, the clinical significance of this variant remains unclear.